The following is an entry in ClinVar:

NM_001211.6(BUB1B):c.375G>C (p.Trp125Cys)

Gene: BUB1B (BUB1 mitotic checkpoint serine/threonine kinase B; plus strand). Cytogenetic location: 15q15.1.
Variant type: single nucleotide variant.
Coding change: c.375G>C on transcript NM_001211.6 (MANE Select); coding-DNA position 375, G replaced by C.
Protein change: p.Trp125Cys; replaces tryptophan 125 with cysteine.
Molecular consequence: missense variant.
Genome position (GRCh38, 1-based): chr15:40,170,672, G>C. VCF-style: chr15-40170672-G-C. GRCh37 (hg19) VCF-style: chr15-40462873-G-C.
Other names: short protein forms W125C.
Identifiers: ClinVar variation 1734655 (VCV001734655.8), dbSNP rs2037151672, ClinGen allele CA391679436.

ClinVar aggregate classification (germline): Uncertain significance. Review status: criteria provided, multiple submitters, no conflicts (2 of 4 stars). 2 submissions from 2 submitters: Uncertain significance (2). Last evaluated 2026-01-12.

Conditions:
Inborn genetic diseases. Identifiers: MedGen C0950123, MeSH D030342.
Mosaic variegated aneuploidy syndrome 1 (MVA1). Also called: Warburton-Anyane-Yeboa syndrome. Identifiers: Orphanet 1052, MedGen C1850343, MONDO:0009759, OMIM 257300.

Allele frequency attached by ClinVar (database versions not stated): TOPMed below 0.00001.

Submissions (2):

Labcorp Genetics (formerly Invitae), Labcorp
Classification: Uncertain significance for Mosaic variegated aneuploidy syndrome 1. Last evaluated: 2026-01-12. Review status: criteria provided, single submitter. Criteria: Invitae Variant Classification Sherloc (09022015). Collection method: clinical testing. Allele origin: germline.
Comment: This sequence change replaces tryptophan, which is neutral and slightly polar, with cysteine, which is neutral and slightly polar, at codon 125 of the BUB1B protein (p.Trp125Cys). This variant is not present in population databases (gnomAD no frequency). This variant has not been reported in the literature in individuals affected with BUB1B-related conditions. ClinVar contains an entry for this variant (Variation ID: 1734655). An algorithm developed to predict the effect of missense changes on protein structure and function (PolyPhen-2) suggests that this variant is likely to be disruptive. In summary, the available evidence is currently insufficient to determine the role of this variant in disease. Therefore, it has been classified as a Variant of Uncertain Significance.

Ambry Genetics
Classification: Uncertain significance for Inborn genetic diseases. Last evaluated: 2024-04-07. Review status: criteria provided, single submitter. Criteria: Ambry Variant Classification Scheme 2023. Collection method: clinical testing. Allele origin: germline.
Comment: The p.W125C variant (also known as c.375G>C), located in coding exon 4 of the BUB1B gene, results from a G to C substitution at nucleotide position 375. The tryptophan at codon 125 is replaced by cysteine, an amino acid with highly dissimilar properties. This amino acid position is conserved. In addition, this alteration is predicted to be deleterious by in silico analysis. Since supporting evidence is limited at this time, the clinical significance of this alteration remains unclear.